The following is an entry in ClinVar:

ClinVar aggregate classification (germline): Pathogenic (1 of 4 stars; one submission).

Conditions:
Ataxia-telangiectasia syndrome (AT). Also called: ATAXIA-TELANGIECTASIA, COMPLEMENTATION GROUP A; Ataxia telangiectasia (A-T); Cerebello-oculocutaneous telangiectasia; Immunodeficiency with ataxia telangiectasia; LOUIS-BAR SYNDROME; ATAXIA-TELANGIECTASIA, FRESNO VARIANT. Identifiers: Orphanet 100, MedGen C0004135, MONDO:0008840, OMIM 208900.

Submission:

Labcorp Genetics (formerly Invitae), Labcorp
Classification: Pathogenic for Ataxia-telangiectasia syndrome. Last evaluated: 2022-11-23. Review status: criteria provided, single submitter. Criteria: Invitae Variant Classification Sherloc (09022015). Collection method: clinical testing. Allele origin: germline.
Comment: For these reasons, this variant has been classified as Pathogenic. This variant has not been reported in the literature in individuals affected with ATM-related conditions. This variant is not present in population databases (gnomAD no frequency). This sequence change creates a premature translational stop signal (p.Lys41Thrfs*21) in the ATM gene. It is expected to result in an absent or disrupted protein product. Loss-of-function variants in ATM are known to be pathogenic (PMID: 23807571, 25614872).

Literature cited by the submitters: PubMed 23807571; PubMed 25614872.

NM_000051.4(ATM):c.122_123del (p.Lys41fs)

Gene: ATM (ATM serine/threonine kinase; plus strand). Cytogenetic location: 11q22.3.
Variant type: Deletion.
Coding change: c.122_123del on transcript NM_000051.4 (MANE Select); coding-DNA positions 122 to 123, 2 bases deleted (AA; older notation c.122_123delAA).
Protein change: p.Lys41fs; shifts the reading frame from lysine 41.
Molecular consequence: frameshift variant.
Genome position (GRCh38, 1-based): chr11:108,227,825-108,227,826, AA deleted; deleting any 2 consecutive bases within chr11:108,227,824-108,227,826 gives the same sequence; the c. name uses the placement nearest the transcript's 3' end. VCF-style (leftmost placement, unchanged base first): chr11-108227823-TAA-T. GRCh37 (hg19) VCF-style: chr11-108098550-TAA-T.
Other names: c.122_123del, p.Lys41fs (NM_001351834.2, NM_001351835.2, NM_001351836.2); short protein forms K41fs.
Identifiers: ClinVar variation 2816029 (VCV002816029.3), dbSNP rs2496895658, ClinGen allele CA2739270896.